The following is an entry in ClinVar:

NM_031475.3(ESPN):c.1397C>T (p.Ala466Val)

Gene: ESPN (espin; plus strand). Cytogenetic location: 1p36.31.
Variant type: single nucleotide variant.
Coding change: c.1397C>T on transcript NM_031475.3 (MANE Select); coding-DNA position 1397, C replaced by T.
Protein change: p.Ala466Val; replaces alanine 466 with valine.
Molecular consequence: missense variant.
Genome position (GRCh38, 1-based): chr1:6,445,868, C>T. VCF-style: chr1-6445868-C-T. GRCh37 (hg19) VCF-style: chr1-6505928-C-T.
Other names: c.1397C>T, p.Ala466Val (NM_001367473.1, NM_001367474.1); short protein forms A466V.
Identifiers: ClinVar variation 2091376 (VCV002091376.4), dbSNP rs1284068250, ClinGen allele CA338095354.

ClinVar aggregate classification (germline): Uncertain significance (1 of 4 stars; one submission).

Submission:

Labcorp Genetics (formerly Invitae), Labcorp
Classification: Uncertain significance. Last evaluated: 2025-09-08. Review status: criteria provided, single submitter. Criteria: Invitae Variant Classification Sherloc (09022015). Collection method: clinical testing. Allele origin: germline.
Comment: This sequence change replaces alanine, which is neutral and non-polar, with valine, which is neutral and non-polar, at codon 466 of the ESPN protein (p.Ala466Val). This variant is present in population databases (no rsID available, gnomAD 0.006%). This variant has not been reported in the literature in individuals affected with ESPN-related conditions. ClinVar contains an entry for this variant (Variation ID: 2091376). An algorithm developed to predict the effect of missense changes on protein structure and function (PolyPhen-2) suggests that this variant is likely to be disruptive. In summary, the available evidence is currently insufficient to determine the role of this variant in disease. Therefore, it has been classified as a Variant of Uncertain Significance.